The following is an entry in ClinVar:

ClinVar aggregate classification (germline): Conflicting classifications of pathogenicity. Review status: criteria provided, conflicting classifications (1 of 4 stars). 3 submissions from 3 submitters: Likely pathogenic (1); Uncertain significance (1). 1 of the submissions does not count toward it. Last evaluated 2022-09-06.

Conditions:
COL4A5-related disorders.
COL4A5-related disorder. Also called: COL4A5-related condition.

Submissions (3):

Labcorp Genetics (formerly Invitae), Labcorp
Classification: Uncertain significance. Last evaluated: 2022-09-06. Review status: criteria provided, single submitter. Criteria: Invitae Variant Classification Sherloc (09022015). Collection method: clinical testing. Allele origin: germline.
Comment: This variant is not present in population databases (gnomAD no frequency). This sequence change falls in intron 50 of the COL4A5 gene. It does not directly change the encoded amino acid sequence of the COL4A5 protein. It affects a nucleotide within the consensus splice site. This variant has been observed in individual(s) with clinical features of COL4A5-related conditions (PMID: 24033287). ClinVar contains an entry for this variant (Variation ID: 587155). Variants that disrupt the consensus splice site are a relatively common cause of aberrant splicing (PMID: 17576681, 9536098). Algorithms developed to predict the effect of sequence changes on RNA splicing suggest that this variant may disrupt the consensus splice site. In summary, the available evidence is currently insufficient to determine the role of this variant in disease. Therefore, it has been classified as a Variant of Uncertain Significance.

Blueprint Genetics
Classification: Likely pathogenic for COL4A5-related disorders. Last evaluated: 2018-09-10. Review status: criteria provided, single submitter. Criteria: ACMG Guidelines, 2015. Collection method: clinical testing. Allele origin: germline. Affected: yes. Observed: 1 variant allele.

PreventionGenetics, part of Exact Sciences
Classification: Uncertain significance for COL4A5-related condition. Last evaluated: 2024-05-09. Review status: no assertion criteria provided. Collection method: clinical testing. Allele origin: germline. Not counted in ClinVar's aggregate classification.
Comment: The COL4A5 c.4976+3A>G variant is predicted to interfere with splicing. This variant is predicted to significantly decrease the donor site signal (SpliceAI and Alamut Visual Plus v1.6.1) and was reported in an individual with autosomal dominant Alport syndrome (Fallerini et al. 2014. PubMed ID: 24033287). This variant has not been reported in a large population database, indicating this variant is rare. Although we suspect that this variant may be pathogenic, at this time, the clinical significance of this variant is uncertain due to the absence of conclusive functional and genetic evidence.

Literature cited by the submitters: PubMed 24033287 (cited by Labcorp Genetics (formerly Invitae), Labcorp); PubMed 17576681 (cited by Labcorp Genetics (formerly Invitae), Labcorp); PubMed 9536098 (cited by Labcorp Genetics (formerly Invitae), Labcorp).

NM_033380.3(COL4A5):c.4994+3A>G

Gene: COL4A5 (collagen type IV alpha 5 chain; plus strand). Cytogenetic location: Xq22.3.
Variant type: single nucleotide variant.
Coding change: c.4994+3A>G on transcript NM_033380.3 (MANE Select); 3 bases into the intron after coding-DNA position 4994, A replaced by G.
Molecular consequence: intron variant.
Genome position (GRCh38, 1-based): chrX:108,695,442, A>G. VCF-style: chrX-108695442-A-G. GRCh37 (hg19) VCF-style: chrX-107938672-A-G.
Other names: c.4976+3A>G (NM_000495.5).
Identifiers: ClinVar variation 587155 (VCV000587155.13), dbSNP rs1569509373, ClinGen allele CA891843705.